The following is an entry in ClinVar:

ClinVar aggregate classification (germline): Benign/Likely benign. Review status: criteria provided, multiple submitters, no conflicts (2 of 4 stars). 4 submissions from 4 submitters: Benign (3); Likely benign (1). Last evaluated 2026-02-03.

Allele frequency attached by ClinVar (database versions not stated): ESP Exome Variant Server 0.07566; gnomAD exomes 0.07578 and 0.04576; TOPMed 0.09696; 1000 Genomes Project 30x 0.13492; ExAC 0.07974; gnomAD 0.08466 and 0.08562; 1000 Genomes Project 0.13319.

Submissions (4):

Labcorp Genetics (formerly Invitae), Labcorp
Classification: Benign. Last evaluated: 2026-02-03. Review status: criteria provided, single submitter. Criteria: Invitae Variant Classification Sherloc (09022015). Collection method: clinical testing. Allele origin: germline.

GeneDx
Classification: Benign. Last evaluated: 2018-05-24. Review status: criteria provided, single submitter. Criteria: GeneDx Variant Classification (06012015). Collection method: clinical testing. Allele origin: germline. Affected: yes.
Comment: This variant is considered likely benign or benign based on one or more of the following criteria: it is a conservative change, it occurs at a poorly conserved position in the protein, it is predicted to be benign by multiple in silico algorithms, and/or has population frequency not consistent with disease.

Breakthrough Genomics
Classification: Likely benign. Review status: criteria provided, single submitter. Criteria: ACMG Guidelines, 2015. Collection method: not provided. Allele origin: germline. Inheritance: Autosomal recessive inheritance. Affected: yes.

PreventionGenetics, part of Exact Sciences
Classification: Benign. Review status: criteria provided, single submitter. Criteria: ACMG Guidelines, 2015. Collection method: clinical testing. Allele origin: germline.

NM_033100.4(CDHR1):c.863-9C>T

Gene: CDHR1 (cadherin related family member 1; plus strand). Cytogenetic location: 10q23.1.
Variant type: single nucleotide variant.
Coding change: c.863-9C>T on transcript NM_033100.4 (MANE Select); 9 bases into the intron before coding-DNA position 863, C replaced by T.
Molecular consequence: intron variant.
Genome position (GRCh38, 1-based): chr10:84,205,818, C>T. VCF-style: chr10-84205818-C-T. GRCh37 (hg19) VCF-style: chr10-85965574-C-T.
Other names: c.863-9C>T (NM_001171971.3).
Identifiers: ClinVar variation 262219 (VCV000262219.15), dbSNP rs4933977, ClinGen allele CA5579758.
Genomic context (GRCh38, chr10:84,205,818, plus strand): 5'-CTGTGGCACGACTCCCCTGCGCCTCCCTGTGGTCCTGTGCAGAACTTCAGGGTGCATCTC[C>T]CTTGACAGGGAACGATGGAGCCTTTGAAATTAATGAGACATCTGGAGCCATCTCCATCAC-3'